The following is an entry in ClinVar:

ClinVar aggregate classification (germline): Conflicting classifications of pathogenicity. Review status: criteria provided, conflicting classifications (1 of 4 stars). 2 submissions from 2 submitters: Uncertain significance (1); Benign (1). Last evaluated 2024-08-20.

Conditions:
Cardiovascular phenotype. Identifiers: MedGen CN230736.
Familial hypobetalipoproteinemia 1. Also called: Hypobetalipoproteinemia, normotriglyceridemic; Acanthocytosis with hypobetalipoproteinemia; APOB-Related Familial Hypobetalipoproteinemia. Identifiers: MedGen C4551990, MONDO:0014252, OMIM 615558.
Hypercholesterolemia, autosomal dominant, type B (FHCL2). Also called: Familial Hypercholesterolemia Type B; HYPERCHOLESTEROLEMIA, FAMILIAL, DUE TO LIGAND-DEFECTIVE APOLIPOPROTEIN B; Familial hypercholesterolemia 2; APOB-Related Familial Hypercholesterolemia, Autosomal Dominant; APOLIPOPROTEIN B-100, FAMILIAL DEFECTIVE; APOLIPOPROTEIN B-100, FAMILIAL LIGAND-DEFECTIVE. Identifiers: MedGen C1704417, MONDO:0007751, OMIM 144010.

Allele frequency attached by ClinVar (database versions not stated): gnomAD exomes 0.00004 and 0.00002; ExAC 0.00006; gnomAD 0.00002; 1000 Genomes Project 30x 0.00047; 1000 Genomes Project 0.00060.
gnomAD v4.1: 28 of 1,614,082 alleles (0.0017%); highest among the groups gnomAD compares: South Asian, 0.029%; no homozygotes.

Submissions (2):

Labcorp Genetics (formerly Invitae), Labcorp
Classification: Benign for Familial hypobetalipoproteinemia 1; Hypercholesterolemia, autosomal dominant, type B. Last evaluated: 2024-08-20. Review status: criteria provided, single submitter. Criteria: Invitae Variant Classification Sherloc (09022015). Collection method: clinical testing. Allele origin: germline.

Ambry Genetics
Classification: Uncertain significance for Cardiovascular phenotype. Last evaluated: 2023-01-14. Review status: criteria provided, single submitter. Criteria: Ambry Variant Classification Scheme 2023. Collection method: clinical testing. Allele origin: germline.
Comment: The p.G2452A variant (also known as c.7355G>C), located in coding exon 26 of the APOB gene, results from a G to C substitution at nucleotide position 7355. The glycine at codon 2452 is replaced by alanine, an amino acid with similar properties. This amino acid position is conserved. In addition, this alteration is predicted to be tolerated by in silico analysis. Since supporting evidence is limited at this time, the clinical significance of this alteration remains unclear.

NM_000384.3(APOB):c.7355G>C (p.Gly2452Ala)

Gene: APOB (apolipoprotein B; minus strand). Cytogenetic location: 2p24.1.
Variant type: single nucleotide variant.
Coding change: c.7355G>C on transcript NM_000384.3 (MANE Select); coding-DNA position 7355, G replaced by C.
Protein change: p.Gly2452Ala; replaces glycine 2452 with alanine.
Molecular consequence: missense variant.
Genome position (GRCh38, 1-based): chr2:21,009,513, C>G on the plus strand (G>C on the coding strand, the complement: APOB is on the minus strand). VCF-style: chr2-21009513-C-G. GRCh37 (hg19) VCF-style: chr2-21232385-C-G.
Other names: short protein forms G2452A.
Identifiers: ClinVar variation 918972 (VCV000918972.8), dbSNP rs532531549, ClinGen allele CA064345.